The following is an entry in ClinVar:

NM_017514.5(PLXNA3):c.2844C>T (p.Ser948=)

Gene: PLXNA3 (plexin A3; plus strand). Cytogenetic location: Xq28.
Variant type: single nucleotide variant.
Coding change: c.2844C>T on transcript NM_017514.5 (MANE Select); coding-DNA position 2844, C replaced by T.
Protein change: p.Ser948=; no amino-acid change (serine 948 retained).
Molecular consequence: synonymous variant.
Genome position (GRCh38, 1-based): chrX:154,466,420, C>T. VCF-style: chrX-154466420-C-T. GRCh37 (hg19) VCF-style: chrX-153694763-C-T.
Identifiers: ClinVar variation 4989681 (VCV004989681.1).

ClinVar aggregate classification (germline): Likely benign (1 of 4 stars; one submission).

Conditions:
PLXNA3-related disorder. Also called: PLXNA3-related condition.

Submission:

PreventionGenetics, part of Exact Sciences
Classification: Likely benign for PLXNA3-related condition. Last evaluated: 2025-10-08. Review status: criteria provided, single submitter. Criteria: ACMG Guidelines, 2015. Collection method: clinical testing. Allele origin: germline.
Comment: This variant is classified as likely benign based on ACMG/AMP sequence variant interpretation guidelines (Richards et al. 2015 PMID: 25741868, with internal and published modifications).